The following is an entry in ClinVar:

ClinVar aggregate classification (germline): Conflicting classifications of pathogenicity. Review status: criteria provided, conflicting classifications (1 of 4 stars). 3 submissions from 3 submitters: Uncertain significance (2); Likely benign (1). Last evaluated 2026-01-28.

Conditions:
Idiopathic hypereosinophilic syndrome (HES). Identifiers: Orphanet 3260, MedGen C0206141, MONDO:0011895, OMIM 607685. Disease mechanism: gain of function.
Polyps, multiple and recurrent inflammatory fibroid, gastrointestinal. Identifiers: MedGen C5193005, MONDO:0008285, OMIM 175510.
Gastrointestinal stromal tumor. Also called: Gastrointestinal stroma tumor; Gastrointestinal stromal tumor, somatic. Identifiers: Orphanet 44890, MedGen C0238198, MeSH D046152, MONDO:0011719, OMIM 606764, HP:0100723.
Hereditary cancer-predisposing syndrome. Also called: Tumor predisposition; Hereditary neoplastic syndrome; Neoplastic Syndromes, Hereditary; Hereditary Cancer Syndrome. Identifiers: Orphanet 140162, MedGen C0027672, MeSH D009386, MONDO:0015356.

Allele frequency attached by ClinVar (database versions not stated): gnomAD exomes 0.00001 and 0.00002; ExAC 0.00002; TOPMed 0.00002.
gnomAD v4.1: 6 of 1,613,300 alleles (0.00037%); highest among the groups gnomAD compares: Admixed American, 0.0083%; no homozygotes.

Submissions (3):

Labcorp Genetics (formerly Invitae), Labcorp
Classification: Uncertain significance for Gastrointestinal stromal tumor. Last evaluated: 2026-01-28. Review status: criteria provided, single submitter. Criteria: Invitae Variant Classification Sherloc (09022015). Collection method: clinical testing. Allele origin: germline.
Comment: This sequence change replaces isoleucine, which is neutral and non-polar, with threonine, which is neutral and polar, at codon 543 of the PDGFRA protein (p.Ile543Thr). This variant is present in population databases (rs755486487, gnomAD 0.01%). This variant has not been reported in the literature in individuals affected with PDGFRA-related conditions. ClinVar contains an entry for this variant (Variation ID: 459013). Invitae Evidence Modeling of protein sequence and biophysical properties (such as structural, functional, and spatial information, amino acid conservation, physicochemical variation, residue mobility, and thermodynamic stability) indicates that this missense variant is not expected to disrupt PDGFRA protein function with a negative predictive value of 80%. In summary, the available evidence is currently insufficient to determine the role of this variant in disease. Therefore, it has been classified as a Variant of Uncertain Significance.

Ambry Genetics
Classification: Likely benign for Hereditary cancer-predisposing syndrome. Last evaluated: 2024-10-02. Review status: criteria provided, single submitter. Criteria: Ambry Variant Classification Scheme 2023. Collection method: clinical testing. Allele origin: germline.

Fulgent Genetics
Classification: Uncertain significance for Polyps, multiple and recurrent inflammatory fibroid, gastrointestinal; Idiopathic hypereosinophilic syndrome. Last evaluated: 2024-02-06. Review status: criteria provided, single submitter. Criteria: ACMG Guidelines, 2015. Collection method: clinical testing. Allele origin: germline.

NM_006206.6(PDGFRA):c.1628T>C (p.Ile543Thr)

Gene: PDGFRA (platelet derived growth factor receptor alpha; plus strand). Cytogenetic location: 4q12.
Variant type: single nucleotide variant.
Coding change: c.1628T>C on transcript NM_006206.6 (MANE Select); coding-DNA position 1628, T replaced by C.
Protein change: p.Ile543Thr; replaces isoleucine 543 with threonine.
Molecular consequence: missense variant.
Genome position (GRCh38, 1-based): chr4:54,274,600, T>C. VCF-style: chr4-54274600-T-C. GRCh37 (hg19) VCF-style: chr4-55140767-T-C.
Other names: c.1628T>C, p.Ile543Thr (NM_001347827.2, NM_001347829.2); c.1703T>C, p.Ile568Thr (NM_001347828.2); c.1667T>C, p.Ile556Thr (NM_001347830.2); short protein forms I543T, I568T, I556T.
Identifiers: ClinVar variation 459013 (VCV000459013.13), dbSNP rs755486487, ClinGen allele CA2922628.